The following is an entry in ClinVar:

NM_006205.3(PDE6H):c.128T>A (p.Val43Glu)

Gene: PDE6H (phosphodiesterase 6H; plus strand). Cytogenetic location: 12p12.3.
Variant type: single nucleotide variant.
Coding change: c.128T>A on transcript NM_006205.3 (MANE Select); coding-DNA position 128, T replaced by A.
Protein change: p.Val43Glu; replaces valine 43 with glutamic acid.
Molecular consequence: missense variant.
Genome position (GRCh38, 1-based): chr12:14,978,140, T>A. VCF-style: chr12-14978140-T-A. GRCh37 (hg19) VCF-style: chr12-15131074-T-A.
Other names: short protein forms V43E.
Identifiers: ClinVar variation 1505184 (VCV001505184.3), dbSNP rs756350174, ClinGen allele CA6465858.

ClinVar aggregate classification (germline): Uncertain significance (1 of 4 stars; one submission).

Allele frequency attached by ClinVar (database versions not stated): gnomAD exomes below 0.00001 and 0.00001; TOPMed below 0.00001; ExAC 0.00001.
gnomAD v4.1: 5 of 1,613,702 alleles (0.00031%); highest among the groups gnomAD compares: Non-Finnish European, 0.00034%; no homozygotes.

Submission:

Labcorp Genetics (formerly Invitae), Labcorp
Classification: Uncertain significance. Last evaluated: 2021-09-26. Review status: criteria provided, single submitter. Criteria: Invitae Variant Classification Sherloc (09022015). Collection method: clinical testing. Allele origin: germline.
Comment: This sequence change replaces valine with glutamic acid at codon 43 of the PDE6H protein (p.Val43Glu). The valine residue is highly conserved and there is a moderate physicochemical difference between valine and glutamic acid. This variant is present in population databases (rs756350174, ExAC 0.002%). This variant has not been reported in the literature in individuals affected with PDE6H-related conditions. Algorithms developed to predict the effect of missense changes on protein structure and function are either unavailable or do not agree on the potential impact of this missense change (SIFT: "Deleterious"; PolyPhen-2: "Possibly Damaging"; Align-GVGD: "Class C0"). Algorithms developed to predict the effect of sequence changes on RNA splicing suggest that this variant may create or strengthen a splice site. In summary, the available evidence is currently insufficient to determine the role of this variant in disease. Therefore, it has been classified as a Variant of Uncertain Significance.